The following is an entry in ClinVar:

ClinVar aggregate classification (germline): Uncertain significance (1 of 4 stars; one submission).

Conditions:
Charcot-Marie-Tooth disease type 4. Also called: Charcot-Marie-Tooth, Type 4; Charcot-Marie-Tooth disease, type IV. Identifiers: Orphanet 64749, MedGen C4082197, MONDO:0018995.

Allele frequency attached by ClinVar (database versions not stated): gnomAD exomes 0.00002; ExAC 0.00005; gnomAD 0.00009; TOPMed 0.00009.

Submission:

Labcorp Genetics (formerly Invitae), Labcorp
Classification: Uncertain significance for Charcot-Marie-Tooth disease type 4. Last evaluated: 2022-05-26. Review status: criteria provided, single submitter. Criteria: Invitae Variant Classification Sherloc (09022015). Collection method: clinical testing. Allele origin: germline.
Comment: This sequence change replaces arginine, which is basic and polar, with tryptophan, which is neutral and slightly polar, at codon 1434 of the PRX protein (p.Arg1434Trp). This variant is present in population databases (rs767488196, gnomAD 0.03%), including at least one homozygous and/or hemizygous individual. This variant has not been reported in the literature in individuals affected with PRX-related conditions. Algorithms developed to predict the effect of missense changes on protein structure and function are either unavailable or do not agree on the potential impact of this missense change (SIFT: "Deleterious"; PolyPhen-2: "Benign"; Align-GVGD: "Class C15"). Algorithms developed to predict the effect of sequence changes on RNA splicing suggest that this variant may create or strengthen a splice site. In summary, the available evidence is currently insufficient to determine the role of this variant in disease. Therefore, it has been classified as a Variant of Uncertain Significance.

NM_181882.3(PRX):c.4300C>T (p.Arg1434Trp)

Gene: PRX (periaxin; minus strand). Cytogenetic location: 19q13.2.
Variant type: single nucleotide variant.
Coding change: c.4300C>T on transcript NM_181882.3 (MANE Select); coding-DNA position 4300, C replaced by T.
Protein change: p.Arg1434Trp; replaces arginine 1434 with tryptophan.
Molecular consequence: missense variant. On other transcripts: 3 prime UTR variant (1).
Genome position (GRCh38, 1-based): chr19:40,394,052, G>A on the plus strand (C>T on the coding strand, the complement: PRX is on the minus strand). VCF-style: chr19-40394052-G-A. GRCh37 (hg19) VCF-style: chr19-40899959-G-A.
Other names: c.4585C>T, p.Arg1529Trp (NM_001411127.1); c.*4505C>T (NM_020956.2); short protein forms R1529W, R1434W.
Identifiers: ClinVar variation 2152949 (VCV002152949.1), dbSNP rs767488196, ClinGen allele CA9443646.
Genomic context (GRCh38, chr19:40,394,052, plus strand): 5'-CCATCCTGGCCGGGCCTGGAGCCCCTGTCTCTGAAAACCCCACGCTGGGCAGCCGCACCC[G>A]CAATCCACCCTCTTCCTGGTCCCCACTCCCACTCCGGGCCTTGGGGCTTAGGGACACCCT-3'
Protein context (NP_870998.2, residues 1424-1444): GSGDQEEGGL[Arg1434Trp]VRLPSVGFSE